The following is an entry in ClinVar:

NM_017654.4(SAMD9):c.1015T>A (p.Phe339Ile)

Gene: SAMD9 (sterile alpha motif domain containing 9; minus strand). Cytogenetic location: 7q21.2.
Variant type: single nucleotide variant.
Coding change: c.1015T>A on transcript NM_017654.4 (MANE Select); coding-DNA position 1015, T replaced by A.
Protein change: p.Phe339Ile; replaces phenylalanine 339 with isoleucine.
Molecular consequence: missense variant.
Genome position (GRCh38, 1-based): chr7:93,105,083, A>T on the plus strand (T>A on the coding strand, the complement: SAMD9 is on the minus strand). VCF-style: chr7-93105083-A-T. GRCh37 (hg19) VCF-style: chr7-92734396-A-T.
Other names: c.1015T>A, p.Phe339Ile (NM_001193307.2); short protein forms F339I.
Identifiers: ClinVar variation 4824711 (VCV004824711.1).

ClinVar aggregate classification (germline): Uncertain significance (1 of 4 stars; one submission).

Conditions:
Inborn genetic diseases. Identifiers: MedGen C0950123, MeSH D030342.

Submission:

Ambry Genetics
Classification: Uncertain significance for Inborn genetic diseases. Last evaluated: 2026-02-19. Review status: criteria provided, single submitter. Criteria: Ambry Variant Classification Scheme 2023. Collection method: clinical testing. Allele origin: germline.
Comment: The p.F339I variant (also known as c.1015T>A), located in coding exon 1 of the SAMD9 gene, results from a T to A substitution at nucleotide position 1015. The phenylalanine at codon 339 is replaced by isoleucine, an amino acid with highly similar properties. This amino acid position is conserved. In addition, this alteration is predicted to be tolerated by in silico analysis. Based on the available evidence, the clinical significance of this variant remains unclear.